The following is an entry in ClinVar:

ClinVar aggregate classification (germline): Pathogenic/Likely pathogenic. Review status: criteria provided, multiple submitters, no conflicts (2 of 4 stars). 2 submissions from 2 submitters: Pathogenic (1); Likely pathogenic (1). Last evaluated 2024-09-01.

Conditions:
Hypotonia, infantile, with psychomotor retardation and characteristic facies 2 (IHPRF2). Also called: UNC80 Deficiency. Identifiers: Orphanet 371364, Orphanet 700333, MedGen C4225203, MONDO:0014777, OMIM 616801.

Submissions (2):

CeGaT Center for Human Genetics Tuebingen
Classification: Pathogenic. Last evaluated: 2024-09-01. Review status: criteria provided, single submitter. Criteria: CeGaT Center For Human Genetics Tuebingen Variant Classification Criteria Version 2. Collection method: clinical testing. Allele origin: germline. Affected: yes. Observed: 1 variant allele.
Comment: UNC80: PVS1, PM2

Breda Genetics srl
Classification: Likely pathogenic for Hypotonia, infantile, with psychomotor retardation and characteristic facies 2. Review status: criteria provided, single submitter. Criteria: ACMG Guidelines, 2015. Collection method: clinical testing. Allele origin: unknown. Inheritance: Autosomal recessive inheritance. Affected: yes.
Comment: The variant creates a shift in the reading frame which is predicted to result in a premature stop codon 65 amino acids downstream which is likely to result in a truncated protein or protein loss due to nonsense-mediated messenger decay (NMD). This variant has not been reported in dbSNP, gnomAD, 1000 Genomes, NHLI Exome Sequencing Project (ESP) or ClinVar. Pathogenic nonsense mutations in the UNC80 gene have been previously reported (ClinVar).

NM_001371986.1(UNC80):c.1357del (p.Arg453fs)

Gene: UNC80 (unc-80 subunit of NALCN channel complex; plus strand). Cytogenetic location: 2q34.
Variant type: Deletion.
Coding change: c.1357del on transcript NM_001371986.1 (MANE Select); coding-DNA position 1357, one base deleted (C; older notation c.1357delC).
Protein change: p.Arg453fs; shifts the reading frame from arginine 453.
Molecular consequence: frameshift variant.
Genome position (GRCh38, 1-based): chr2:209,816,930, C deleted; the last of 2 consecutive C bases (chr2:209,816,929-209,816,930); deleting either gives the same sequence. VCF-style (leftmost placement, unchanged base first): chr2-209816928-AC-A. GRCh37 (hg19) VCF-style: chr2-210681652-AC-A.
Other names: c.1357delC (NM_032504.1); c.1357del, p.Arg453fs (NM_032504.2, NM_182587.4); short protein forms R453fs.
Identifiers: ClinVar variation 829816 (VCV000829816.17), dbSNP rs1574574226, ClinGen allele CA915941670.